The following is an entry in ClinVar:

ClinVar aggregate classification (germline): Uncertain significance (1 of 4 stars; one submission).

gnomAD v4.1: 6 of 1,613,344 alleles (0.00037%); highest among the groups gnomAD compares: South Asian, 0.0033%; no homozygotes.

Submission:

Women's Health and Genetics/Laboratory Corporation of America, LabCorp
Classification: Uncertain significance. Last evaluated: 2024-07-09. Review status: criteria provided, single submitter. Criteria: LabCorp Variant Classification Summary - May 2015. Collection method: clinical testing. Allele origin: germline.
Comment: Variant summary: SPG7 c.776G>A (p.Gly259Glu) results in a non-conservative amino acid change in the encoded protein sequence. Three of five in-silico tools predict a damaging effect of the variant on protein function. The variant allele was found at a frequency of 8e-06 in 249582 control chromosomes. The available data on variant occurrences in the general population are insufficient to allow any conclusion about variant significance. c.776G>A has been reported in the literature in the heterozygous state in at least one individual affected with optic neuropathy who underwent multigene panel testing. This report does not provide unequivocal conclusions about association of the variant with Hereditary Spastic Paraplegia 7. To our knowledge, no experimental evidence demonstrating an impact on protein function has been reported. The following publication has been ascertained in the context of this evaluation (PMID: 33841295). No submitters have cited clinical-significance assessments for this variant to ClinVar. Based on the evidence outlined above, the variant was classified as uncertain significance.

Literature cited by the submitters: PubMed 33841295.

NM_003119.4(SPG7):c.776G>A (p.Gly259Glu)

Gene: SPG7 (SPG7 matrix AAA peptidase subunit, paraplegin; plus strand). Cytogenetic location: 16q24.3.
Variant type: single nucleotide variant.
Coding change: c.776G>A on transcript NM_003119.4 (MANE Select); coding-DNA position 776, G replaced by A.
Protein change: p.Gly259Glu; replaces glycine 259 with glutamic acid.
Molecular consequence: missense variant.
Genome position (GRCh38, 1-based): chr16:89,529,494, G>A. VCF-style: chr16-89529494-G-A. GRCh37 (hg19) VCF-style: chr16-89595902-G-A.
Other names: c.776G>A, p.Gly259Glu (NM_001363850.1, NM_199367.3); short protein forms G259E.
Identifiers: ClinVar variation 3339018 (VCV003339018.1).